The following is an entry in ClinVar:

NM_000051.4(ATM):c.8002G>C (p.Glu2668Gln)

Genes: ATM (ATM serine/threonine kinase; plus strand), C11orf65 (chromosome 11 open reading frame 65; minus strand). Cytogenetic location: 11q22.3.
Variant type: single nucleotide variant.
Coding change: c.8002G>C on transcript NM_000051.4 (MANE Select); coding-DNA position 8002, G replaced by C.
Protein change: p.Glu2668Gln; replaces glutamic acid 2668 with glutamine.
Molecular consequence: missense variant. On other transcripts: intron variant (2).
Genome position (GRCh38, 1-based): chr11:108,333,960, G>C. VCF-style: chr11-108333960-G-C. GRCh37 (hg19) VCF-style: chr11-108204687-G-C.
Other names: c.8002G>C, p.Glu2668Gln (NM_001351834.2); c.641-24889C>G (NM_001330368.2); c.*38+1260C>G (NM_001351110.2); short protein forms E2668Q.
Identifiers: ClinVar variation 1019691 (VCV001019691.48), dbSNP rs772097933, ClinGen allele CA6266233.

ClinVar aggregate classification (germline): Uncertain significance. Review status: criteria provided, multiple submitters, no conflicts (2 of 4 stars). 2 submissions from 2 submitters: Uncertain significance (2). Last evaluated 2023-09-29.

Conditions:
Hereditary cancer-predisposing syndrome. Also called: Neoplastic Syndromes, Hereditary; Tumor predisposition; Hereditary Cancer Syndrome; Hereditary neoplastic syndrome. Identifiers: Orphanet 140162, MedGen C0027672, MeSH D009386, MONDO:0015356.
Ataxia-telangiectasia syndrome (AT). Also called: Ataxia telangiectasia (A-T); ATAXIA-TELANGIECTASIA, COMPLEMENTATION GROUP A; ATAXIA-TELANGIECTASIA, FRESNO VARIANT; Ataxia-telangiectasia; Ataxia-telangiectasia, complementation group E; LOUIS-BAR SYNDROME. Identifiers: Orphanet 100, MedGen C0004135, MONDO:0008840, OMIM 208900.

Allele frequency attached by ClinVar (database versions not stated): gnomAD exomes below 0.00001; ExAC 0.00001.

Submissions (2):

Ambry Genetics
Classification: Uncertain significance for Hereditary cancer-predisposing syndrome. Last evaluated: 2023-09-29. Review status: criteria provided, single submitter. Criteria: Ambry Variant Classification Scheme 2023. Collection method: clinical testing. Allele origin: germline.
Comment: The p.E2668Q variant (also known as c.8002G>C), located in coding exon 53 of the ATM gene, results from a G to C substitution at nucleotide position 8002. The glutamic acid at codon 2668 is replaced by glutamine, an amino acid with highly similar properties. This amino acid position is well conserved in available vertebrate species. In addition, the in silico prediction for this alteration is inconclusive. Since supporting evidence is limited at this time, the clinical significance of this alteration remains unclear.

Labcorp Genetics (formerly Invitae), Labcorp
Classification: Uncertain significance for Ataxia-telangiectasia syndrome. Last evaluated: 2022-06-25. Review status: criteria provided, single submitter. Criteria: Invitae Variant Classification Sherloc (09022015). Collection method: clinical testing. Allele origin: germline.
Comment: ClinVar contains an entry for this variant (Variation ID: 1019691). This sequence change replaces glutamic acid, which is acidic and polar, with glutamine, which is neutral and polar, at codon 2668 of the ATM protein (p.Glu2668Gln). This variant is present in population databases (rs772097933, gnomAD 0.006%). This variant has not been reported in the literature in individuals affected with ATM-related conditions. Advanced modeling of protein sequence and biophysical properties (such as structural, functional, and spatial information, amino acid conservation, physicochemical variation, residue mobility, and thermodynamic stability) performed at Invitae indicates that this missense variant is expected to disrupt ATM protein function. In summary, the available evidence is currently insufficient to determine the role of this variant in disease. Therefore, it has been classified as a Variant of Uncertain Significance.